The following is an entry in ClinVar:

ClinVar aggregate classification (germline): Uncertain significance. Review status: criteria provided, multiple submitters, no conflicts (2 of 4 stars). 2 submissions from 2 submitters: Uncertain significance (2). Last evaluated 2024-02-21.

Conditions:
Generalized epilepsy with febrile seizures plus, type 9 (GEFSP9). Also called: GEFS+, TYPE 9. Identifiers: Orphanet 36387, MedGen C4015395, MONDO:0014517, OMIM 616172.

Submissions (2):

Baylor Genetics
Classification: Uncertain significance for Generalized epilepsy with febrile seizures plus, type 9. Last evaluated: 2024-02-21. Review status: criteria provided, single submitter. Criteria: ACMG Guidelines, 2015. Collection method: clinical testing. Allele origin: unknown.

Labcorp Genetics (formerly Invitae), Labcorp
Classification: Uncertain significance for Generalized epilepsy with febrile seizures plus, type 9. Last evaluated: 2022-10-27. Review status: criteria provided, single submitter. Criteria: Invitae Variant Classification Sherloc (09022015). Collection method: clinical testing. Allele origin: germline.
Comment: In summary, the available evidence is currently insufficient to determine the role of this variant in disease. Therefore, it has been classified as a Variant of Uncertain Significance. Advanced modeling of protein sequence and biophysical properties (such as structural, functional, and spatial information, amino acid conservation, physicochemical variation, residue mobility, and thermodynamic stability) performed at Invitae indicates that this missense variant is not expected to disrupt STX1B protein function. This variant has not been reported in the literature in individuals affected with STX1B-related conditions. This variant is not present in population databases (gnomAD no frequency). This sequence change replaces isoleucine, which is neutral and non-polar, with phenylalanine, which is neutral and non-polar, at codon 43 of the STX1B protein (p.Ile43Phe).

NM_052874.5(STX1B):c.127A>T (p.Ile43Phe)

Gene: STX1B (syntaxin 1B; minus strand). Cytogenetic location: 16p11.2.
Variant type: single nucleotide variant.
Coding change: c.127A>T on transcript NM_052874.5 (MANE Select); coding-DNA position 127, A replaced by T.
Protein change: p.Ile43Phe; replaces isoleucine 43 with phenylalanine.
Molecular consequence: missense variant.
Genome position (GRCh38, 1-based): chr16:31,001,172, T>A on the plus strand (A>T on the coding strand, the complement: STX1B is on the minus strand). VCF-style: chr16-31001172-T-A. GRCh37 (hg19) VCF-style: chr16-31012493-T-A.
Other names: short protein forms I43F.
Identifiers: ClinVar variation 2582440 (VCV002582440.5), dbSNP rs989371299, ClinGen allele CA280575992.